The following is an entry in ClinVar:

NM_000194.3(HPRT1):c.403G>T (p.Asp135Tyr)

Gene: HPRT1 (hypoxanthine phosphoribosyltransferase 1; plus strand). Cytogenetic location: Xq26.2.
Variant type: single nucleotide variant.
Coding change: c.403G>T on transcript NM_000194.3 (MANE Select); coding-DNA position 403, G replaced by T.
Protein change: p.Asp135Tyr; replaces aspartic acid 135 with tyrosine.
Molecular consequence: missense variant.
Genome position (GRCh38, 1-based): chrX:134,493,508, G>T. VCF-style: chrX-134493508-G-T. GRCh37 (hg19) VCF-style: chrX-133627538-G-T.
Other names: short protein forms D135Y.
Identifiers: ClinVar variation 2925687 (VCV002925687.3), dbSNP rs2520830173, ClinGen allele CA414714151.
Genomic context (GRCh38, chrX:134,493,508, plus strand): 5'-TTTGGTACTTTATATTGTGACTCTGAATTTAAAGCTATGCAATGTCTTCTTTTTTGAAAG[G>T]ATATAATTGACACTGGCAAAACAATGCAGACTTTGCTTTCCTTGGTCAGGCAGTATAATC-3'
Protein context (NP_000185.1, residues 125-145): LTGKNVLIVE[Asp135Tyr]IIDTGKTMQT

ClinVar aggregate classification (germline): Pathogenic (1 of 4 stars; one submission).

Conditions:
Partial hypoxanthine-guanine phosphoribosyltransferase deficiency. Also called: HPRT DEFICIENCY, PARTIAL; HYPOXANTHINE GUANINE PHOSPHORIBOSYLTRANSFERASE 1 DEFICIENCY, PARTIAL; GOUT, HPRT-RELATED; Kelley-Seegmiller Syndrome; HPRT1 DEFICIENCY, PARTIAL. Identifiers: Orphanet 79233, MedGen C0268117, MONDO:0010299, OMIM 300323.
Lesch-Nyhan syndrome (LNS). Also called: HPRT DEFICIENCY, COMPLETE; Lesch-Nyhan Disease (LND). Identifiers: Orphanet 510, MedGen C0023374, MONDO:0010298, OMIM 300322.

Submission:

Labcorp Genetics (formerly Invitae), Labcorp
Classification: Pathogenic for Lesch-Nyhan syndrome; Partial hypoxanthine-guanine phosphoribosyltransferase deficiency. Last evaluated: 2023-08-04. Review status: criteria provided, single submitter. Criteria: Invitae Variant Classification Sherloc (09022015). Collection method: clinical testing. Allele origin: germline.
Comment: This sequence change replaces aspartic acid, which is acidic and polar, with tyrosine, which is neutral and polar, at codon 135 of the HPRT1 protein (p.Asp135Tyr). For these reasons, this variant has been classified as Pathogenic. This variant disrupts the p.Asp135 amino acid residue in HPRT1. Other variant(s) that disrupt this residue have been observed in individuals with HPRT1-related conditions (PMID: 1487231, 10518289), which suggests that this may be a clinically significant amino acid residue. Algorithms developed to predict the effect of sequence changes on RNA splicing suggest that this variant may disrupt the consensus splice site. An algorithm developed to predict the effect of missense changes on protein structure and function (PolyPhen-2) suggests that this variant is likely to be disruptive. This missense change has been observed in individual(s) with Lesch-Nyhan syndrome (PMID: 29185864). In at least one individual the variant was observed to be de novo. This variant is not present in population databases (gnomAD no frequency).

Literature cited by the submitters: PubMed 1487231; PubMed 10518289; PubMed 29185864.